The following is an entry in ClinVar:

NM_022173.4(TIA1):c.245C>T (p.Thr82Ile)

Gene: TIA1 (TIA1 cytotoxic granule associated RNA binding protein; minus strand). Cytogenetic location: 2p13.3.
Variant type: single nucleotide variant.
Coding change: c.245C>T on transcript NM_022173.4 (MANE Select); coding-DNA position 245, C replaced by T.
Protein change: p.Thr82Ile; replaces threonine 82 with isoleucine.
Molecular consequence: missense variant. On other transcripts: 5 prime UTR variant (4), non-coding transcript variant (17).
Genome position (GRCh38, 1-based): chr2:70,229,296, G>A on the plus strand (C>T on the coding strand, the complement: TIA1 is on the minus strand). VCF-style: chr2-70229296-G-A. GRCh37 (hg19) VCF-style: chr2-70456428-G-A.
Other names: c.245C>T, p.Thr82Ile (NM_001351508.2, NM_001351510.2, NM_001351516.2 and 5 more transcripts); c.251C>T, p.Thr84Ile (NM_001351509.2, NM_001351520.2); c.134C>T, p.Thr45Ile (NM_001351511.1, NM_001351513.1); c.140C>T, p.Thr47Ile (NM_001351512.1); c.50C>T, p.Thr17Ile (NM_001351514.2, NM_001351523.2); c.-145C>T (NM_001351515.2); c.-399C>T (NM_001351517.2); c.-176C>T (NM_001351524.2); and 1 more; short protein forms T45I, T82I, T17I, T47I, T84I.
Identifiers: ClinVar variation 4745678 (VCV004745678.1).
Genomic context (GRCh38, chr2:70,229,296, plus strand): 5'-ATGTTCAAAGAGCATAAAATATACTTACTGCTTGTATCTTTCTTTTGACTGCTAGGGGTT[G>A]TTGCCCAATTCACTTTGACTTCCTAAAAAAAAAAAATTTCTACATTTATACTTCACAAAA-3'
Protein context (NP_071505.2, residues 72-92): MGKEVKVNWA[Thr82Ile]TPSSQKKDTS

ClinVar aggregate classification (germline): Uncertain significance (1 of 4 stars; one submission).

Conditions:
Welander distal myopathy (WDM). Also called: Welander distal myopathy, Swedish type; Distal myopathy, Swedish type; Gower's muscular dystrophy; MUSCULAR DYSTROPHY, DISTAL, LATE-ONSET, AUTOSOMAL DOMINANT. Identifiers: Orphanet 603, MedGen C0221054, MONDO:0011466, OMIM 604454.

gnomAD v4.1: 5 of 1,612,508 alleles (0.00031%); highest among the groups gnomAD compares: Admixed American, 0.0017%; no homozygotes.

Submission:

Labcorp Genetics (formerly Invitae), Labcorp
Classification: Uncertain significance for Welander distal myopathy. Last evaluated: 2025-08-20. Review status: criteria provided, single submitter. Criteria: Invitae Variant Classification Sherloc (09022015). Collection method: clinical testing. Allele origin: germline.
Comment: This sequence change replaces threonine, which is neutral and polar, with isoleucine, which is neutral and non-polar, at codon 82 of the TIA1 protein (p.Thr82Ile). This variant is present in population databases (rs751349454, gnomAD 0.003%). This variant has not been reported in the literature in individuals affected with TIA1-related conditions. Invitae Evidence Modeling of protein sequence and biophysical properties (such as structural, functional, and spatial information, amino acid conservation, physicochemical variation, residue mobility, and thermodynamic stability) indicates that this missense variant is not expected to disrupt TIA1 protein function with a negative predictive value of 80%. In summary, the available evidence is currently insufficient to determine the role of this variant in disease. Therefore, it has been classified as a Variant of Uncertain Significance.